The following is an entry in ClinVar:

ClinVar aggregate classification (germline): Likely pathogenic (1 of 4 stars; one submission).

Conditions:
Menkes kinky-hair syndrome (MNK). Also called: Copper transport disease; Classic Menkes Disease; Menkes Disease. Identifiers: Orphanet 565, MedGen C0022716, MONDO:0010651, OMIM 309400.

Submission:

Myriad Genetics, Inc.
Classification: Likely pathogenic for Menkes kinky-hair syndrome. Last evaluated: 2022-01-02. Review status: criteria provided, single submitter. Criteria: Myriad Autosomal Dominant, Autosomal Recessive and X-Linked Classification Criteria (2023). Collection method: clinical testing. Allele origin: unknown.
Comment: NM_000052.5(ATP7A):c.3209_3210delAC(H1070Pfs*2) is expected to be pathogenic in the context of ATP7A-related disorders. This variant is predicted to lead to an abnormal or absent protein product due to the creation of a premature termination codon in ATP7A, a gene where loss-of-function variants are known to be pathogenic. Please note: this variant was assessed in the context of healthy population screening.

NM_000052.7(ATP7A):c.3209_3210del (p.His1070fs)

Gene: ATP7A (ATPase copper transporting alpha; plus strand). Cytogenetic location: Xq21.1.
Variant type: Microsatellite.
Coding change: c.3209_3210del on transcript NM_000052.7 (MANE Select); coding-DNA positions 3209 to 3210, 2 bases deleted (AC; older notation c.3209_3210delAC).
Protein change: p.His1070fs; shifts the reading frame from histidine 1070.
Molecular consequence: frameshift variant. On other transcripts: non-coding transcript variant (1).
Genome position (GRCh38, 1-based): chrX:78,031,497-78,031,498, AC deleted; deleting any 2 consecutive bases within chrX:78,031,494-78,031,498 gives the same sequence; the c. name uses the placement nearest the transcript's 3' end. VCF-style (leftmost placement, unchanged base first): chrX-78031493-TCA-T. GRCh37 (hg19) VCF-style: chrX-77286991-TCA-T.
Other names: c.2975_2976del, p.His992fs (NM_001282224.2); short protein forms H1070fs, H992fs.
Identifiers: ClinVar variation 1726957 (VCV001726957.3), dbSNP rs2522397192, ClinGen allele CA2580612384.
Genomic context (GRCh38, chrX:78,031,493, plus strand): 5'-ATTACTCACGGAACCCCAGTGGTGAATCAAGTAAAGGTTCTAACTGAAAGTAACAGAATA[TCA>T]CACCATAAAATCTTGGCCATTGTGGGAACTGCTGAAAGTAACAGTGAACACCCTCTAGGA-3'